The following is an entry in ClinVar:

NM_001283009.2(RTEL1):c.1518C>T (p.Ile506=)

Genes: RTEL1-TNFRSF6B (RTEL1-TNFRSF6B readthrough (NMD candidate); plus strand), RTEL1 (regulator of telomere elongation helicase 1; plus strand). Cytogenetic location: 20q13.33.
Variant type: single nucleotide variant.
Coding change: c.1518C>T on transcript NM_001283009.2 (MANE Select); coding-DNA position 1518, C replaced by T.
Protein change: p.Ile506=; no amino-acid change (isoleucine 506 retained).
Molecular consequence: synonymous variant. On other transcripts: non-coding transcript variant (1).
Genome position (GRCh38, 1-based): chr20:63,687,973, C>T. VCF-style: chr20-63687973-C-T. GRCh37 (hg19) VCF-style: chr20-62319326-C-T.
Other names: c.849C>T, p.Ile283= (NM_001283010.1); c.1518C>T, p.Ile506= (NM_016434.4); c.1590C>T, p.Ile530= (NM_032957.5).
Identifiers: ClinVar variation 1140328 (VCV001140328.37), dbSNP rs757231662, ClinGen allele CA9964831.

ClinVar aggregate classification (germline): Likely benign. Review status: criteria provided, multiple submitters, no conflicts (2 of 4 stars). 6 submissions from 6 submitters: Likely benign (5). 1 of the submissions does not count toward it. Last evaluated 2025-12-17.

Conditions:
Inborn genetic diseases. Identifiers: MedGen C0950123, MeSH D030342.
Dyskeratosis congenita, autosomal recessive 5 (DKCB5). Identifiers: MedGen C3554656, MONDO:0014076, OMIM 615190.
Pulmonary fibrosis and/or bone marrow failure, Telomere-related, 3. Also called: PULMONARY FIBROSIS AND/OR BONE MARROW FAILURE SYNDROME, TELOMERE-RELATED, 3. Identifiers: Orphanet 2032, MedGen C4225346, MONDO:0014613, OMIM 616373.
Dyskeratosis congenita. Identifiers: Orphanet 1775, MedGen C0265965, MONDO:0015780.

Allele frequency attached by ClinVar (database versions not stated): gnomAD exomes 0.00005 and 0.00007; TOPMed 0.00005; gnomAD 0.00007 and 0.00008; ExAC 0.00008.
gnomAD v4.1: 88 of 1,612,698 alleles (0.0055%); highest among the groups gnomAD compares: East Asian, 0.0089%; no homozygotes.

Submissions (6):

Labcorp Genetics (formerly Invitae), Labcorp
Classification: Likely benign for Dyskeratosis congenita, autosomal recessive 5; Pulmonary fibrosis and/or bone marrow failure, Telomere-related, 3. Last evaluated: 2025-12-17. Review status: criteria provided, single submitter. Criteria: Invitae Variant Classification Sherloc (09022015). Collection method: clinical testing. Allele origin: germline.

Laboratory of Genetics, Children's Clinical University Hospital Latvia
Classification: Likely benign. Last evaluated: 2025-02-16. Review status: criteria provided, single submitter. Criteria: ACMG Guidelines, 2015. Collection method: clinical testing. Allele origin: germline. Affected: yes.

Ambry Genetics
Classification: Likely benign for Inborn genetic diseases. Last evaluated: 2024-11-17. Review status: criteria provided, single submitter. Criteria: Ambry Variant Classification Scheme 2023. Collection method: clinical testing. Allele origin: germline.

Blueprint Genetics
Classification: Likely benign. Last evaluated: 2024-10-29. Review status: criteria provided, single submitter. Criteria: ACMG Guidelines, 2015. Collection method: clinical testing. Allele origin: germline.

CeGaT Center for Human Genetics Tuebingen
Classification: Likely benign. Last evaluated: 2022-12-01. Review status: criteria provided, single submitter. Criteria: CeGaT Center For Human Genetics Tuebingen Variant Classification Criteria Version 2. Collection method: clinical testing. Allele origin: germline. Affected: yes. Observed: 1 variant allele.
Comment: RTEL1: BP4, BP7

Natera, Inc.
Classification: Likely benign for Dyskeratosis congenita. Last evaluated: 2021-10-15. Review status: no assertion criteria provided. Collection method: clinical testing. Allele origin: germline. Not counted in ClinVar's aggregate classification.